The following is an entry in ClinVar:

ClinVar aggregate classification (germline): Uncertain significance (1 of 4 stars; one submission).

Conditions:
Rubinstein-Taybi syndrome due to EP300 haploinsufficiency. Also called: EP300-Related Rubinstein-Taybi Syndrome; RUBINSTEIN-TAYBI SYNDROME 2. Identifiers: Orphanet 353284, Orphanet 783, MedGen C3150941, MONDO:0013364, OMIM 613684.

gnomAD v4.1: 7 of 1,614,158 alleles (0.00043%); highest among the groups gnomAD compares: Non-Finnish European, 0.00059%; no homozygotes.

Submission:

Labcorp Genetics (formerly Invitae), Labcorp
Classification: Uncertain significance for Rubinstein-Taybi syndrome due to EP300 haploinsufficiency. Last evaluated: 2024-10-21. Review status: criteria provided, single submitter. Criteria: Invitae Variant Classification Sherloc (09022015). Collection method: clinical testing. Allele origin: germline.
Comment: This sequence change replaces glycine, which is neutral and non-polar, with valine, which is neutral and non-polar, at codon 296 of the EP300 protein (p.Gly296Val). This variant is not present in population databases (gnomAD no frequency). This variant has not been reported in the literature in individuals affected with EP300-related conditions. Invitae Evidence Modeling of protein sequence and biophysical properties (such as structural, functional, and spatial information, amino acid conservation, physicochemical variation, residue mobility, and thermodynamic stability) indicates that this missense variant is not expected to disrupt EP300 protein function with a negative predictive value of 80%. In summary, the available evidence is currently insufficient to determine the role of this variant in disease. Therefore, it has been classified as a Variant of Uncertain Significance.

NM_001429.4(EP300):c.887G>T (p.Gly296Val)

Gene: EP300 (EP300 lysine acetyltransferase; plus strand). Cytogenetic location: 22q13.2.
Variant type: single nucleotide variant.
Coding change: c.887G>T on transcript NM_001429.4 (MANE Select); coding-DNA position 887, G replaced by T.
Protein change: p.Gly296Val; replaces glycine 296 with valine.
Molecular consequence: missense variant.
Genome position (GRCh38, 1-based): chr22:41,126,021, G>T. VCF-style: chr22-41126021-G-T. GRCh37 (hg19) VCF-style: chr22-41522025-G-T.
Other names: c.887G>T, p.Gly296Val (NM_001362843.2); short protein forms G296V.
Identifiers: ClinVar variation 2733782 (VCV002733782.3), dbSNP rs2145708053, ClinGen allele CA411683472.